The following is an entry in ClinVar:

NM_000104.4(CYP1B1):c.1334T>C (p.Phe445Ser)

Genes: CYP1B1 (cytochrome P450 family 1 subfamily B member 1; minus strand), LOC128772254 (melanoma risk locus-associated MPRA allelic enhancer 2:38298139; plus strand). Cytogenetic location: 2p22.2.
Variant type: single nucleotide variant.
Coding change: c.1334T>C on transcript NM_000104.4 (MANE Select); coding-DNA position 1334, T replaced by C.
Protein change: p.Phe445Ser; replaces phenylalanine 445 with serine.
Molecular consequence: missense variant.
Genome position (GRCh38, 1-based): chr2:38,071,020, A>G on the plus strand (T>C on the coding strand, the complement: CYP1B1 is on the minus strand). VCF-style: chr2-38071020-A-G. GRCh37 (hg19) VCF-style: chr2-38298163-A-G.
Other names: NM_000104.4:c.1334T>C; short protein forms F445S.
Identifiers: ClinVar variation 5037943 (VCV005037943.1).

ClinVar aggregate classification (germline): Uncertain significance (3 of 4 stars; one submission).

Conditions:
CYP1B1-related glaucoma with or without anterior segment dysgenesis. Identifiers: MedGen CN375931, MONDO:0800472.

Submission:

ClinGen Glaucoma Variant Curation Expert Panel
Classification: Uncertain significance for CYP1B1-related glaucoma with or without anterior segment dysgenesis. Last evaluated: 2026-10-27. Review status: reviewed by expert panel. Criteria: ClinGen Glaucoma ACMG Specifications CYP1B1 V2.0. Collection method: curation. Allele origin: germline. Inheritance: Autosomal recessive inheritance.
Comment: The c.1334T>C variant in CYP1B1 is a missense variant predicted to cause substitution of Phenylalanine by Serine at amino acid 445 (p.Phe445Ser). This variant was not found in any genetic ancestry group of gnomAD (v4.1), meeting the ≤ 0.0005 threshold set for PM2_Supporting in a genetic ancestry group of at least 2,000 alleles. The REVEL score = 0.901, which was within the 0.773-0.931 range for PP3_Moderate, predicting a damaging effect on CYP1B1 function. There was no functional evidence predicting a damaging or benign impact of this variant on CYP1B1 function. This variant has been identified in an individual with a CYP1B1-related phenotype. In summary, this variant met the criteria to receive a score of 3 and to be classified as a variant of uncertain significance (uncertain significance classification range -1 to 5, adapted from PMID: 32720330) for CYP1B1-related glaucoma with or without anterior segment dysgenesis (ASD) based on the ACMG/AMP criteria met, as specified by the ClinGen Glaucoma VCEP (v2.0, 16.07.2026): PP3_Moderate, PM2_Supporting